The following is an entry in ClinVar:

NM_001077365.2(POMT1):c.330C>G (p.Leu110=)

Gene: POMT1 (protein O-mannosyltransferase 1; plus strand). Cytogenetic location: 9q34.13.
Variant type: single nucleotide variant.
Coding change: c.330C>G on transcript NM_001077365.2 (MANE Select); coding-DNA position 330, C replaced by G.
Protein change: p.Leu110=; no amino-acid change (leucine 110 retained).
Molecular consequence: synonymous variant. On other transcripts: 5 prime UTR variant (5), non-coding transcript variant (9), intron variant (2).
Genome position (GRCh38, 1-based): chr9:131,507,417, C>G. VCF-style: chr9-131507417-C-G. GRCh37 (hg19) VCF-style: chr9-134382804-C-G.
Other names: c.168C>G, p.Leu56= (NM_001077366.2, NM_001353194.2, NM_001353197.2 and 3 more transcripts); c.330C>G, p.Leu110= (NM_001136113.2, NM_001353193.2, NM_001374690.1 and 1 more transcripts); c.-22C>G (NM_001136114.2, NM_001353195.2, NM_001353199.2 and 2 more transcripts); c.240C>G, p.Leu80= (NM_001353196.2); c.-29-1494C>G (NM_001374695.1); c.-30+964C>G (NM_001353200.2).
Identifiers: ClinVar variation 283974 (VCV000283974.85), dbSNP rs138064523, ClinGen allele CA5293231.
Genomic context (GRCh38, chr9:131,507,417, plus strand): 5'-TGCTTTTCCAGAATACAGTAGCAACGTGCCTGTGTGGTCCCTGCGCCTGCTGCCAGCACT[C>G]GCGGGGGCCTTGTCGGTCCCCATGGCCTACCAGATAGTGTTGGAGCTCCACTTTTCTCAT-3'
Protein context (NP_001070833.1, residues 100-120): PVWSLRLLPA[Leu110=]AGALSVPMAY

ClinVar aggregate classification (germline): Conflicting classifications of pathogenicity. Review status: criteria provided, conflicting classifications (1 of 4 stars). 6 submissions from 6 submitters: Uncertain significance (2); Benign (1); Likely benign (3). Last evaluated 2026-08-01.

Conditions:
Walker-Warburg congenital muscular dystrophy. Also called: Muscular dystrophy-dystroglycanopathy, type A; Walker-Warburg syndrome. Identifiers: Orphanet 899, MedGen C0265221, MONDO:0000171.
Muscular dystrophy-dystroglycanopathy (congenital with impaired intellectual development), type B, 1. Also called: Muscular dystrophy-dystroglycanopathy (congenital with intellectual disability), type B1; MUSCULAR DYSTROPHY, CONGENITAL, POMT1-RELATED. Identifiers: MedGen C5436962, MONDO:0013159, OMIM 613155.
Autosomal recessive limb-girdle muscular dystrophy type 2K. Also called: MUSCULAR DYSTROPHY-DYSTROGLYCANOPATHY (LIMB-GIRDLE), TYPE C, 1; MUSCULAR DYSTROPHY, LIMB-GIRDLE, TYPE 2K. Identifiers: Orphanet 86812, MedGen C1836373, MONDO:0012248, OMIM 609308.

Allele frequency attached by ClinVar (database versions not stated): TOPMed 0.00034; gnomAD 0.00010; ESP Exome Variant Server 0.00031.
gnomAD v4.1: 471 of 1,614,200 alleles (0.029%); highest among the groups gnomAD compares: Middle Eastern, 0.31%; 2 homozygotes.

Submissions (6):

CeGaT Center for Human Genetics Tuebingen
Classification: Likely benign. Last evaluated: 2026-08-01. Review status: criteria provided, single submitter. Criteria: CeGaT Center For Human Genetics Tuebingen Variant Classification Criteria Version 2. Collection method: clinical testing. Allele origin: germline. Affected: yes. Observed: 7 variant alleles.
Comment: POMT1: BP4, BP7

Labcorp Genetics (formerly Invitae), Labcorp
Classification: Benign for Muscular dystrophy-dystroglycanopathy (congenital with impaired intellectual development), type B, 1; Walker-Warburg congenital muscular dystrophy; Autosomal recessive limb-girdle muscular dystrophy type 2K. Last evaluated: 2026-01-25. Review status: criteria provided, single submitter. Criteria: Invitae Variant Classification Sherloc (09022015). Collection method: clinical testing. Allele origin: germline.

Blueprint Genetics
Classification: Likely benign. Last evaluated: 2024-11-26. Review status: criteria provided, single submitter. Criteria: ACMG Guidelines, 2015. Collection method: clinical testing. Allele origin: germline.

GeneDx
Classification: Likely benign. Last evaluated: 2018-12-14. Review status: criteria provided, single submitter. Criteria: GeneDx Variant Classification Process June 2021. Collection method: clinical testing. Allele origin: germline. Affected: yes.

Illumina Laboratory Services, Illumina
Classification: Uncertain significance for Autosomal recessive limb-girdle muscular dystrophy type 2K. Last evaluated: 2018-01-12. Review status: criteria provided, single submitter. Criteria: ICSL Variant Classification Criteria 13 December 2019. Collection method: clinical testing. Allele origin: germline.

Eurofins Ntd Llc (ga)
Classification: Uncertain significance. Last evaluated: 2015-10-22. Review status: criteria provided, single submitter. Criteria: EGL Classification Definitions 2015. Collection method: clinical testing. Allele origin: germline. Observed: 1 variant allele, 1 heterozygote.